The following is an entry in ClinVar:

ClinVar aggregate classification (germline): Pathogenic (1 of 4 stars; one submission).

Conditions:
Glycogen storage disease, type II (IOPD). Also called: Pompe Disease; CARDIOMEGALIA GLYCOGENICA DIFFUSA; GLYCOGENOSIS, GENERALIZED, CARDIAC FORM; GSD II; POMPE DISEASE, INFANTILE-ONSET; GLYCOGEN STORAGE DISEASE II, INFANTILE-ONSET. Identifiers: Orphanet 365, MedGen C0017921, MONDO:0009290, OMIM 232300.

Submission:

Genomenon, Inc
Classification: Pathogenic for Glycogen storage disease, type II. Last evaluated: 2026-07-01. Review status: criteria provided, single submitter. Criteria: Genomenon Sequence Variant Interpretation Standards - Updated. Collection method: curation. Allele origin: germline. Affected: yes.
Comment: GAA p.Leu775GlyfsTer28 (c.2322_2323insGGTGAGTCTGCAAACGGGGAGT) is a frameshift variant that is predicted to introduce a premature termination codon and result in a truncated or absent protein product. This variant has been observed in at least one proband with a GAA-related disorder (PMID:22676651). It is absent or not present at a significant frequency in gnomAD. In conclusion, we classify GAA p.Leu775GlyfsTer28 (c.2322_2323insGGTGAGTCTGCAAACGGGGAGT) as a pathogenic variant.

Literature cited by the submitters: PubMed 22676651.

NM_000152.5(GAA):c.2322_2323insGGTGAGTCTGCAAACGGGGAGT (p.Leu775fs)

Gene: GAA (alpha glucosidase; plus strand). Cytogenetic location: 17q25.3.
Variant type: Insertion.
Coding change: c.2322_2323insGGTGAGTCTGCAAACGGGGAGT on transcript NM_000152.5 (MANE Select); coding-DNA positions 2322 to 2323, GGTGAGTCTGCAAACGGGGAGT inserted.
Protein change: p.Leu775fs; shifts the reading frame from leucine 775.
Molecular consequence: frameshift variant.
Genome position: GRCh38 VCF-style: chr17-80117100-C-CGGTGAGTCTGCAAACGGGGAGT. GRCh37 (hg19) VCF-style: chr17-78090899-C-CGGTGAGTCTGCAAACGGGGAGT.
Other names: c.2322_2323insGGTGAGTCTGCAAACGGGGAGT, p.Leu775fs (NM_001079803.3, NM_001079804.3, NM_001406741.1 and 1 more transcripts); short protein forms L775fs.
Identifiers: ClinVar variation 4876596 (VCV004876596.1).